The following is an entry in ClinVar:

NM_001042631.3(SDHAF1):c.259G>A (p.Gly87Ser)

Genes: SDHAF1 (succinate dehydrogenase complex assembly factor 1; plus strand), LOC130064281 (ATAC-STARR-seq lymphoblastoid silent region 10546; plus strand). Cytogenetic location: 19q13.12.
Variant type: single nucleotide variant.
Coding change: c.259G>A on transcript NM_001042631.3 (MANE Select); coding-DNA position 259, G replaced by A.
Protein change: p.Gly87Ser; replaces glycine 87 with serine.
Molecular consequence: missense variant.
Genome position (GRCh38, 1-based): chr19:35,995,533, G>A. VCF-style: chr19-35995533-G-A. GRCh37 (hg19) VCF-style: chr19-36486435-G-A.
Other names: short protein forms G87S.
Identifiers: ClinVar variation 4686250 (VCV004686250.1).

ClinVar aggregate classification (germline): Uncertain significance (1 of 4 stars; one submission).

Submission:

GeneDx
Classification: Uncertain significance. Last evaluated: 2025-07-14. Review status: criteria provided, single submitter. Criteria: GeneDx Variant Classification Process June 2021. Collection method: clinical testing. Allele origin: germline. Affected: yes.
Comment: Not observed at significant frequency in large population cohorts (gnomAD); In silico analysis suggests that this missense variant does not alter protein structure/function; Has not been previously published as pathogenic or benign to our knowledge